The following is an entry in ClinVar:

NM_015330.6(SPECC1L):c.2312T>G (p.Ile771Ser)

Genes: SPECC1L (sperm antigen with calponin homology and coiled-coil domains 1 like; plus strand), SPECC1L-ADORA2A (SPECC1L-ADORA2A readthrough (NMD candidate); plus strand). Cytogenetic location: 22q11.23.
Variant type: single nucleotide variant.
Coding change: c.2312T>G on transcript NM_015330.6 (MANE Select); coding-DNA position 2312, T replaced by G.
Protein change: p.Ile771Ser; replaces isoleucine 771 with serine.
Molecular consequence: missense variant. On other transcripts: non-coding transcript variant (1).
Genome position (GRCh38, 1-based): chr22:24,330,347, T>G. VCF-style: chr22-24330347-T-G. GRCh37 (hg19) VCF-style: chr22-24726315-T-G.
Other names: c.2312T>G, p.Ile771Ser (NM_001145468.4, NM_001254732.3); short protein forms I771S.
Identifiers: ClinVar variation 2991956 (VCV002991956.3), dbSNP rs1252725067, ClinGen allele CA410974923.

ClinVar aggregate classification (germline): Uncertain significance (1 of 4 stars; one submission).

Allele frequency attached by ClinVar (database versions not stated): gnomAD exomes below 0.00001; TOPMed 0.00001.
gnomAD v4.1: 1 of 1,614,064 alleles (0.000062%); highest among the groups gnomAD compares: Admixed American, 0.0017%; no homozygotes.

Submission:

Labcorp Genetics (formerly Invitae), Labcorp
Classification: Uncertain significance. Last evaluated: 2023-05-29. Review status: criteria provided, single submitter. Criteria: Invitae Variant Classification Sherloc (09022015). Collection method: clinical testing. Allele origin: germline.
Comment: An algorithm developed to predict the effect of missense changes on protein structure and function (PolyPhen-2) suggests that this variant is likely to be tolerated. This variant has not been reported in the literature in individuals affected with SPECC1L-related conditions. This variant is not present in population databases (gnomAD no frequency). This sequence change replaces isoleucine, which is neutral and non-polar, with serine, which is neutral and polar, at codon 771 of the SPECC1L protein (p.Ile771Ser). In summary, the available evidence is currently insufficient to determine the role of this variant in disease. Therefore, it has been classified as a Variant of Uncertain Significance.